The following is an entry in ClinVar:

NM_001371333.1(DIABLO):c.316-8A>G

Gene: DIABLO (diablo IAP-binding mitochondrial protein; minus strand). Cytogenetic location: 12q24.31.
Variant type: single nucleotide variant.
Coding change: c.316-8A>G on transcript NM_001371333.1 (MANE Select); 8 bases into the intron before coding-DNA position 316, A replaced by G.
Molecular consequence: intron variant.
Genome position (GRCh38, 1-based): chr12:122,216,877, T>C on the plus strand (A>G on the coding strand, the complement: DIABLO is on the minus strand). VCF-style: chr12-122216877-T-C. GRCh37 (hg19) VCF-style: chr12-122701424-T-C.
Other names: c.97-8A>G (NM_001278303.1); c.184-8A>G (NM_001278342.1); c.25-8A>G (NM_001278302.1); c.157-8A>G (NM_138930.3, NM_001278304.2); c.316-8A>G (NM_019887.6).
Identifiers: ClinVar variation 504799 (VCV000504799.14), dbSNP rs137928955, ClinGen allele CA6843943.

ClinVar aggregate classification (germline): Benign/Likely benign. Review status: criteria provided, multiple submitters, no conflicts (2 of 4 stars). 4 submissions from 4 submitters: Benign (2); Likely benign (1). 1 of the submissions does not count toward it. Last evaluated 2025-01-21.

Conditions:
DIABLO-related disorder. Also called: DIABLO-related condition.

Allele frequency attached by ClinVar (database versions not stated): ESP Exome Variant Server 0.00015; gnomAD 0.00056 and 0.00045; gnomAD exomes 0.00028 and 0.00095; TOPMed 0.00074; ExAC 0.00083; 1000 Genomes Project 30x 0.00125; 1000 Genomes Project 0.00140.
gnomAD v4.1: 484 of 1,604,902 alleles (0.03%); highest among the groups gnomAD compares: East Asian, 0.95%; 5 homozygotes.

Submissions (4):

Labcorp Genetics (formerly Invitae), Labcorp
Classification: Benign. Last evaluated: 2025-01-21. Review status: criteria provided, single submitter. Criteria: Invitae Variant Classification Sherloc (09022015). Collection method: clinical testing. Allele origin: germline.

GeneDx
Classification: Likely benign. Last evaluated: 2021-11-11. Review status: criteria provided, single submitter. Criteria: GeneDx Variant Classification Process June 2021. Collection method: clinical testing. Allele origin: germline. Affected: yes.

Laboratory for Molecular Medicine, Mass General Brigham Personalized Medicine
Classification: Benign. Last evaluated: 2016-07-21. Review status: criteria provided, single submitter. Criteria: LMM Criteria. Collection method: clinical testing. Allele origin: germline. Observed: 2 variant alleles.
Comment: c.316-8A>G in intron 4 of DIABLO: This variant is not expected to have clinical significance because it has been identified in 1.1% (95/8638) of East Asian chro mosomes including two homozygotes by the Exome Aggregation Consortium (ExAC) and 1.5% (3/194) of Han Chinese chromosomes by the 1000 Genomes Project (dbSNP rs13792895 5).

PreventionGenetics, part of Exact Sciences
Classification: Benign for DIABLO-related condition. Last evaluated: 2024-07-06. Review status: no assertion criteria provided. Collection method: clinical testing. Allele origin: germline. Not counted in ClinVar's aggregate classification.
Comment: This variant is classified as benign based on ACMG/AMP sequence variant interpretation guidelines (Richards et al. 2015 PMID: 25741868, with internal and published modifications).